The following is an entry in ClinVar:

ClinVar aggregate classification (germline): Conflicting classifications of pathogenicity. Review status: criteria provided, conflicting classifications (1 of 4 stars). 4 submissions from 4 submitters: Uncertain significance (1); Likely benign (2). 1 of the submissions does not count toward it. Last evaluated 2025-07-30.

Conditions:
NPHP4-related disorder. Also called: NPHP4-related disorders; NPHP4-related condition. Identifiers: MedGen CN239384.
Nephronophthisis. Also called: Juvenile Nephronophthisis. Identifiers: Orphanet 655, MedGen C0687120, MONDO:0019005, HP:0000090.

Allele frequency attached by ClinVar (database versions not stated): ExAC 0.00001; gnomAD exomes 0.00001 and 0.00002; gnomAD 0.00005 and 0.00006; TOPMed 0.00006.
gnomAD v4.1: 20 of 1,608,280 alleles (0.0012%); highest among the groups gnomAD compares: African/African-American, 0.016%; no homozygotes.

Submissions (4):

Mayo Clinic Laboratories, Mayo Clinic
Classification: Likely benign. Last evaluated: 2025-07-30. Review status: criteria provided, single submitter. Criteria: ACMG Guidelines, 2015. Collection method: clinical testing. Allele origin: germline. Observed: 1 variant allele.
Comment: BP4, BP7, PM2_supporting

Labcorp Genetics (formerly Invitae), Labcorp
Classification: Likely benign for Nephronophthisis. Last evaluated: 2023-04-23. Review status: criteria provided, single submitter. Criteria: Invitae Variant Classification Sherloc (09022015). Collection method: clinical testing. Allele origin: germline.

Eurofins Ntd Llc (ga)
Classification: Uncertain significance. Last evaluated: 2018-03-13. Review status: criteria provided, single submitter. Criteria: EGL ClinVar v180209 classification definitions. Collection method: clinical testing. Allele origin: germline. Observed: 1 variant allele, 1 heterozygote.

PreventionGenetics, part of Exact Sciences
Classification: Likely benign for NPHP4-related condition. Last evaluated: 2024-06-26. Review status: no assertion criteria provided. Collection method: clinical testing. Allele origin: germline. Not counted in ClinVar's aggregate classification.
Comment: This variant is classified as likely benign based on ACMG/AMP sequence variant interpretation guidelines (Richards et al. 2015 PMID: 25741868, with internal and published modifications).

NM_015102.5(NPHP4):c.2238C>T (p.Thr746=)

Gene: NPHP4 (nephrocystin 4; minus strand). Cytogenetic location: 1p36.31.
Variant type: single nucleotide variant.
Coding change: c.2238C>T on transcript NM_015102.5 (MANE Select); coding-DNA position 2238, C replaced by T.
Protein change: p.Thr746=; no amino-acid change (threonine 746 retained).
Molecular consequence: synonymous variant. On other transcripts: non-coding transcript variant (1).
Genome position (GRCh38, 1-based): chr1:5,890,934, G>A on the plus strand (C>T on the coding strand, the complement: NPHP4 is on the minus strand). VCF-style: chr1-5890934-G-A. GRCh37 (hg19) VCF-style: chr1-5950994-G-A.
Other names: p.Thr746=; c.699C>T, p.Thr233= (NM_001291593.2); c.702C>T, p.Thr234= (NM_001291594.2).
Identifiers: ClinVar variation 596442 (VCV000596442.17), dbSNP rs756449736, ClinGen allele CA554231.